The following is an entry in ClinVar:

ClinVar aggregate classification (germline): Conflicting classifications of pathogenicity. Review status: criteria provided, conflicting classifications (1 of 4 stars). 4 submissions from 4 submitters: Uncertain significance (1); Likely benign (2). 1 of the submissions does not count toward it. Last evaluated 2026-01-02.

Conditions:
COL18A1-related disorder. Also called: COL18A1-related disorders; COL18A1-related condition.
Knobloch syndrome (KNO). Also called: RETINAL DETACHMENT AND OCCIPITAL ENCEPHALOCELE; Myopia retinal detachment encephalocele. Identifiers: Orphanet 1571, MedGen C1849409, MONDO:0800166.

Allele frequency attached by ClinVar (database versions not stated): ESP Exome Variant Server 0.00017; gnomAD 0.00018 and 0.00024; gnomAD exomes 0.00021 and 0.00036; ExAC 0.00032; TOPMed 0.00040.
gnomAD v4.1: 366 of 1,610,920 alleles (0.023%); highest among the groups gnomAD compares: Middle Eastern, 0.15%; 1 homozygote.

Submissions (4):

Labcorp Genetics (formerly Invitae), Labcorp
Classification: Likely benign. Last evaluated: 2026-01-02. Review status: criteria provided, single submitter. Criteria: Invitae Variant Classification Sherloc (09022015). Collection method: clinical testing. Allele origin: germline.

Blueprint Genetics
Classification: Likely benign. Last evaluated: 2024-08-16. Review status: criteria provided, single submitter. Criteria: ACMG Guidelines, 2015. Collection method: clinical testing. Allele origin: germline.

Illumina Laboratory Services, Illumina
Classification: Uncertain significance for Knobloch syndrome 1. Last evaluated: 2018-01-12. Review status: criteria provided, single submitter. Criteria: ICSL Variant Classification Criteria 13 December 2019. Collection method: clinical testing. Allele origin: germline.

PreventionGenetics, part of Exact Sciences
Classification: Likely benign for COL18A1-related condition. Last evaluated: 2019-04-05. Review status: no assertion criteria provided. Collection method: clinical testing. Allele origin: germline. Not counted in ClinVar's aggregate classification.
Comment: This variant is classified as likely benign based on ACMG/AMP sequence variant interpretation guidelines (Richards et al. 2015 PMID: 25741868, with internal and published modifications).

NM_001379500.1(COL18A1):c.2068-7C>T

Gene: COL18A1 (collagen type XVIII alpha 1 chain; plus strand). Cytogenetic location: 21q22.3.
Variant type: single nucleotide variant.
Coding change: c.2068-7C>T on transcript NM_001379500.1 (MANE Select); 7 bases into the intron before coding-DNA position 2068, C replaced by T.
Molecular consequence: intron variant.
Genome position (GRCh38, 1-based): chr21:45,491,218, C>T. VCF-style: chr21-45491218-C-T. GRCh37 (hg19) VCF-style: chr21-46911132-C-T.
Other names: NM_130445.2:c.2068-7C>T; c.2608-7C>T (NM_030582.3, NM_030582.4); c.3313-7C>T (NM_130444.3).
Identifiers: ClinVar variation 899299 (VCV000899299.15), dbSNP rs369084150, ClinGen allele CA10066792.